The following is an entry in ClinVar:

NM_198253.3(TERT):c.3032+5G>A

Gene: TERT (telomerase reverse transcriptase; minus strand). Cytogenetic location: 5p15.33.
Variant type: single nucleotide variant.
Coding change: c.3032+5G>A on transcript NM_198253.3 (MANE Select); 5 bases into the intron after coding-DNA position 3032, G replaced by A.
Molecular consequence: intron variant.
Genome position (GRCh38, 1-based): chr5:1,258,593, C>T on the plus strand (G>A on the coding strand, the complement: TERT is on the minus strand). VCF-style: chr5-1258593-C-T. GRCh37 (hg19) VCF-style: chr5-1258708-C-T.
Other names: c.2843+5G>A (NM_001193376.3).
Identifiers: ClinVar variation 1428359 (VCV001428359.44), dbSNP rs1187296169, ClinGen allele CA557564040.

ClinVar aggregate classification (germline): Uncertain significance (1 of 4 stars; one submission).

Conditions:
Dyskeratosis congenita, autosomal dominant 2. Identifiers: MedGen C3151443, MONDO:0013521, OMIM 613989.
Idiopathic Pulmonary Fibrosis. Also called: Idiopathic fibrosing alveolitis, chronic form; idiopathic fibrosing alveolitis. Identifiers: Orphanet 2032, MedGen C1800706, MeSH D054990, MONDO:0800504.

Allele frequency attached by ClinVar (database versions not stated): TOPMed below 0.00001; gnomAD 0.00001.

Submission:

Labcorp Genetics (formerly Invitae), Labcorp
Classification: Uncertain significance for Dyskeratosis congenita, autosomal dominant 2; Idiopathic Pulmonary Fibrosis. Last evaluated: 2023-11-01. Review status: criteria provided, single submitter. Criteria: Invitae Variant Classification Sherloc (09022015). Collection method: clinical testing. Allele origin: germline.
Comment: This sequence change falls in intron 13 of the TERT gene. It does not directly change the encoded amino acid sequence of the TERT protein. It affects a nucleotide within the consensus splice site. This variant is present in population databases (no rsID available, gnomAD 0.007%). This variant has not been reported in the literature in individuals affected with TERT-related conditions. ClinVar contains an entry for this variant (Variation ID: 1428359). Variants that disrupt the consensus splice site are a relatively common cause of aberrant splicing (PMID: 17576681, 9536098). Algorithms developed to predict the effect of sequence changes on RNA splicing suggest that this variant is not likely to affect RNA splicing. In summary, the available evidence is currently insufficient to determine the role of this variant in disease. Therefore, it has been classified as a Variant of Uncertain Significance.

Literature cited by the submitters: PubMed 17576681; PubMed 9536098.